The following is an entry in ClinVar:

NM_004646.4(NPHS1):c.3110-190C>T

Gene: NPHS1 (NPHS1 adhesion molecule, nephrin; minus strand). Cytogenetic location: 19q13.12.
Variant type: single nucleotide variant.
Coding change: c.3110-190C>T on transcript NM_004646.4 (MANE Select); 190 bases into the intron before coding-DNA position 3110, C replaced by T.
Molecular consequence: intron variant.
Genome position (GRCh38, 1-based): chr19:35,835,951, G>A on the plus strand (C>T on the coding strand, the complement: NPHS1 is on the minus strand). VCF-style: chr19-35835951-G-A. GRCh37 (hg19) VCF-style: chr19-36326853-G-A.
Identifiers: ClinVar variation 1706878 (VCV001706878.3), dbSNP rs114864874, ClinGen allele CA307830952.
Genomic context (GRCh38, chr19:35,835,951, plus strand): 5'-AGAGAGCTAGAAATTGCTGATAATAATGACAATACTATTAATAGCAATTCTAATGGTAAC[G>A]CTAATGCTAAGAATAATTTGTTTTTTGAGACTGAACCTCTCTCTATTGCCCAGGCTGGAG-3'

ClinVar aggregate classification (germline): Likely benign. Review status: criteria provided, multiple submitters, no conflicts (2 of 4 stars). 2 submissions from 2 submitters: Likely benign (2). Last evaluated 2020-12-19.

Allele frequency attached by ClinVar (database versions not stated): gnomAD 0.00647; TOPMed 0.00762; 1000 Genomes Project 0.00859; 1000 Genomes Project 30x 0.00999.
gnomAD v4.1: 945 of 147,550 alleles (0.64%); highest among the groups gnomAD compares: African/African-American, 2.2%; 9 homozygotes.

Submissions (2):

GeneDx
Classification: Likely benign. Last evaluated: 2020-12-19. Review status: criteria provided, single submitter. Criteria: GeneDx Variant Classification Process June 2021. Collection method: clinical testing. Allele origin: germline. Affected: yes.
Comment: See Variant Classification Assertion Criteria.

Breakthrough Genomics
Classification: Likely benign. Review status: criteria provided, single submitter. Criteria: ACMG Guidelines, 2015. Collection method: not provided. Allele origin: germline. Inheritance: Autosomal recessive inheritance. Affected: yes.